The following is an entry in ClinVar:

NM_006204.4(PDE6C):c.775C>T (p.Arg259Ter)

Gene: PDE6C (phosphodiesterase 6C; plus strand). Cytogenetic location: 10q23.33.
Variant type: single nucleotide variant.
Coding change: c.775C>T on transcript NM_006204.4 (MANE Select); coding-DNA position 775, C replaced by T.
Protein change: p.Arg259Ter; replaces arginine 259 with a stop codon.
Molecular consequence: nonsense.
Genome position (GRCh38, 1-based): chr10:93,621,983, C>T. VCF-style: chr10-93621983-C-T. GRCh37 (hg19) VCF-style: chr10-95381740-C-T.
Other names: short protein forms R259*.
Identifiers: ClinVar variation 487691 (VCV000487691.11), dbSNP rs757622521, ClinGen allele CA5609938.

ClinVar aggregate classification (germline): Pathogenic/Likely pathogenic. Review status: criteria provided, multiple submitters, no conflicts (2 of 4 stars). 4 submissions from 4 submitters: Pathogenic (3); Likely pathogenic (1). Last evaluated 2026-01-05.

Conditions:
Cone dystrophy 4 (COD4). Identifiers: Orphanet 49382, MedGen C2751308, MONDO:0013129, OMIM 613093.
PDE6C-related disorder. Also called: PDE6C-related condition.
Achromatopsia. Also called: Rod monochromatism. Identifiers: Orphanet 49382, MedGen C0152200, MONDO:0018852, HP:0011516.

Allele frequency attached by ClinVar (database versions not stated): gnomAD exomes below 0.00001 and 0.00001; TOPMed 0.00001; ExAC 0.00002; gnomAD 0.00002.
gnomAD v4.1: 9 of 1,613,442 alleles (0.00056%); highest among the groups gnomAD compares: Non-Finnish European, 0.00076%; no homozygotes.

Submissions (4):

Labcorp Genetics (formerly Invitae), Labcorp
Classification: Pathogenic. Last evaluated: 2026-01-05. Review status: criteria provided, single submitter. Criteria: Invitae Variant Classification Sherloc (09022015). Collection method: clinical testing. Allele origin: germline.
Comment: This sequence change creates a premature translational stop signal (p.Arg259*) in the PDE6C gene. It is expected to result in an absent or disrupted protein product. Loss-of-function variants in PDE6C are known to be pathogenic (PMID: 19887631, 23776498, 26103963, 30080950). This variant is present in population databases (rs757622521, gnomAD 0.002%). This premature translational stop signal has been observed in individual(s) with achromatopsia (PMID: 30080950). ClinVar contains an entry for this variant (Variation ID: 487691). For these reasons, this variant has been classified as Pathogenic.

Blueprint Genetics
Classification: Likely pathogenic for PDE6C-related disorders. Last evaluated: 2024-04-10. Review status: criteria provided, single submitter. Criteria: ACMG Guidelines, 2015. Collection method: clinical testing. Allele origin: germline. Affected: yes. Observed: 3 variant alleles.

3billion
Classification: Pathogenic for Cone dystrophy 4. Last evaluated: 2022-01-03. Review status: criteria provided, single submitter. Criteria: ACMG Guidelines, 2015. Collection method: clinical testing. Allele origin: germline. Affected: yes. Observed: 1 homozygote.
Comment: Stop-gained (nonsense): predicted to result in a loss or disruption of normal protein function through nonsense-mediated decay (NMD) or protein truncation. Multiple pathogenic variants are reported downstream of the variant (PVS1_VS).The variant has been reported to be associated with PDE6C related disorder (ClinVar ID: VCV000487691, PMID:30080950).It is observed at an extremely low frequency in the gnomAD v2.1.1 dataset (total allele frequency: 0.000008, PM2_M). Therefore, this variant is classified as pathogenic according to the recommendation of ACMG/AMP guideline.

Molecular Genetics Laboratory, Institute for Ophthalmic Research
Classification: Pathogenic for Achromatopsia. Last evaluated: 2017-12-01. Review status: criteria provided, single submitter. Criteria: ACMG Guidelines, 2015. Collection method: research. Allele origin: germline. Affected: yes.

Literature cited by the submitters: PubMed 19887631 (cited by Labcorp Genetics (formerly Invitae), Labcorp); PubMed 23776498 (cited by Labcorp Genetics (formerly Invitae), Labcorp); PubMed 26103963 (cited by Labcorp Genetics (formerly Invitae), Labcorp); PubMed 30080950 (cited by Labcorp Genetics (formerly Invitae), Labcorp and 3billion).